The following is an entry in ClinVar:

NM_145290.4(ADGRA3):c.2884T>A (p.Leu962Met)

Gene: ADGRA3 (adhesion G protein-coupled receptor A3; minus strand). Cytogenetic location: 4p15.2.
Variant type: single nucleotide variant.
Coding change: c.2884T>A on transcript NM_145290.4 (MANE Select); coding-DNA position 2884, T replaced by A.
Protein change: p.Leu962Met; replaces leucine 962 with methionine.
Molecular consequence: missense variant.
Genome position (GRCh38, 1-based): chr4:22,388,787, A>T on the plus strand (T>A on the coding strand, the complement: ADGRA3 is on the minus strand). VCF-style: chr4-22388787-A-T. GRCh37 (hg19) VCF-style: chr4-22390410-A-T.
Other names: c.2884T>A (NM_145290.2); short protein forms L962M.
Identifiers: ClinVar variation 1023739 (VCV001023739.10), dbSNP rs542362755, ClinGen allele CA2873488.
Genomic context (GRCh38, chr4:22,388,787, plus strand): 5'-AAATCAGAGACAAAGACATTGAATCCTGATGATTTATTTCGCCATTTTCATTGGCTGCCA[A>T]TCTCTGTTGCTCCTCCGTGGGCTCCTTAAGCTCATATTTGCGCTCAGGGTGTCTTTTCAA-3'
Protein context (NP_660333.2, residues 952-972): LKEPTEEQQR[Leu962Met]AANENGEINH

ClinVar aggregate classification (germline): Uncertain significance. Review status: criteria provided, multiple submitters, no conflicts (2 of 4 stars). 2 submissions from 2 submitters: Uncertain significance (2). Last evaluated 2025-09-23.

Allele frequency attached by ClinVar (database versions not stated): gnomAD 0.00006; TOPMed 0.00007; gnomAD exomes 0.00010 and 0.00011; ExAC 0.00014.
gnomAD v4.1: 153 of 1,613,928 alleles (0.0095%); highest among the groups gnomAD compares: Non-Finnish European, 0.012%; no homozygotes.

Submissions (2):

Labcorp Genetics (formerly Invitae), Labcorp
Classification: Uncertain significance. Last evaluated: 2025-09-23. Review status: criteria provided, single submitter. Criteria: Invitae Variant Classification Sherloc (09022015). Collection method: clinical testing. Allele origin: germline.
Comment: This sequence change replaces leucine, which is neutral and non-polar, with methionine, which is neutral and non-polar, at codon 962 of the ADGRA3 protein (p.Leu962Met). This variant is present in population databases (rs542362755, gnomAD 0.02%). This variant has not been reported in the literature in individuals affected with ADGRA3-related conditions. ClinVar contains an entry for this variant (Variation ID: 1023739). An algorithm developed to predict the effect of missense changes on protein structure and function (PolyPhen-2) suggests that this variant is likely to be disruptive. In summary, the available evidence is currently insufficient to determine the role of this variant in disease. Therefore, it has been classified as a Variant of Uncertain Significance.

Ambry Genetics
Classification: Uncertain significance. Last evaluated: 2024-12-02. Review status: criteria provided, single submitter. Criteria: Ambry Variant Classification Scheme 2023. Collection method: clinical testing. Allele origin: germline.